The following is an entry in ClinVar:

ClinVar aggregate classification (germline): Uncertain significance (1 of 4 stars; one submission).

Conditions:
RASopathy. Also called: rasopathies; Noonan spectrum disorder. Identifiers: Orphanet 536391, MedGen C5555857, MONDO:0021060.

Submission:

Labcorp Genetics (formerly Invitae), Labcorp
Classification: Uncertain significance for Rasopathy. Last evaluated: 2019-12-20. Review status: criteria provided, single submitter. Criteria: Invitae Variant Classification Sherloc (09022015). Collection method: clinical testing. Allele origin: germline.
Comment: This variant results in a copy number gain of the genomic region encompassing the full coding sequence of the SOS1 gene. The boundaries of this event are unknown as they extend beyond the assayed region for this gene and therefore may encompass additional genes. As the precise location of this event is unknown, it may be in tandem or it may be located elsewhere in the genome. A similar copy number variant has been observed in individual(s) with clinical features of Noonan syndrome (Invitae). In summary, the available evidence is currently insufficient to determine the role of this variant in disease. Therefore, it has been classified as a Variant of Uncertain Significance.

NC_000002.11:g.(?_38297845)_(39347583_?)dup

Genes: ARHGEF33 (Rho guanine nucleotide exchange factor 33; plus strand), ATL2 (atlastin GTPase 2; minus strand), CYP1B1 (cytochrome P450 family 1 subfamily B member 1; minus strand), DHX57 (DExH-box helicase 57; minus strand), GALM (galactose mutarotase; plus strand) and 6 more. Cytogenetic location: 2p22.2-22.1.
Variant type: Duplication.
Identifiers: ClinVar variation 584365 (VCV000584365.2).